The following is an entry in ClinVar:

NM_001330260.2(SCN8A):c.4985T>C (p.Met1662Thr)

Gene: SCN8A (sodium voltage-gated channel alpha subunit 8; plus strand). Cytogenetic location: 12q13.13.
Variant type: single nucleotide variant.
Coding change: c.4985T>C on transcript NM_001330260.2 (MANE Select); coding-DNA position 4985, T replaced by C.
Protein change: p.Met1662Thr; replaces methionine 1662 with threonine.
Molecular consequence: missense variant.
Genome position (GRCh38, 1-based): chr12:51,806,471, T>C. VCF-style: chr12-51806471-T-C. GRCh37 (hg19) VCF-style: chr12-52200255-T-C.
Other names: c.4862T>C, p.Met1621Thr (NM_001177984.3, NM_001369788.1); c.4985T>C, p.Met1662Thr (NM_014191.4); short protein forms M1621T, M1662T.
Identifiers: ClinVar variation 4975777 (VCV004975777.1).

ClinVar aggregate classification (germline): Uncertain significance (1 of 4 stars; one submission).

Submission:

GeneDx
Classification: Uncertain significance. Last evaluated: 2026-01-27. Review status: criteria provided, single submitter. Criteria: GeneDx Variant Classification Process June 2021. Collection method: clinical testing. Allele origin: germline.
Comment: Not observed at significant frequency in large population cohorts (gnomAD); In silico analysis supports that this missense variant has a deleterious effect on protein structure/function; Has not been previously published as pathogenic or benign to our knowledge; This substitution is predicted to be within the transmembrane segment S5 of the fourth homologous domain